The following is an entry in ClinVar:

ClinVar aggregate classification (germline): Conflicting classifications of pathogenicity. Review status: criteria provided, conflicting classifications (1 of 4 stars). 2 submissions from 2 submitters: Likely pathogenic (1); Uncertain significance (1). Last evaluated 2025-01-03.

Submissions (2):

GeneDx
Classification: Uncertain significance. Last evaluated: 2025-01-03. Review status: criteria provided, single submitter. Criteria: GeneDx Variant Classification Process June 2021. Collection method: clinical testing. Allele origin: germline. Affected: yes.
Comment: Not observed at significant frequency in large population cohorts (gnomAD); In silico analysis supports that this missense variant has a deleterious effect on protein structure/function; This variant is associated with the following publications: (PMID: 33691693, 16963483, 25333064)

Labcorp Genetics (formerly Invitae), Labcorp
Classification: Likely pathogenic. Last evaluated: 2022-08-30. Review status: criteria provided, single submitter. Criteria: Invitae Variant Classification Sherloc (09022015). Collection method: clinical testing. Allele origin: germline.
Comment: In summary, the currently available evidence indicates that the variant is pathogenic, but additional data are needed to prove that conclusively. Therefore, this variant has been classified as Likely Pathogenic. This variant disrupts the p.Pro1249 amino acid residue in USH2A. Other variant(s) that disrupt this residue have been observed in individuals with USH2A-related conditions (PMID: 33691693; Invitae), which suggests that this may be a clinically significant amino acid residue. Algorithms developed to predict the effect of missense changes on protein structure and function are either unavailable or do not agree on the potential impact of this missense change (SIFT: "Deleterious"; PolyPhen-2: "Probably Damaging"; Align-GVGD: "Class C0"). This missense change has been observed in individual(s) with clinical features of Usher syndrome (PMID: 25333064). This variant is not present in population databases (gnomAD no frequency). This sequence change replaces proline, which is neutral and non-polar, with leucine, which is neutral and non-polar, at codon 1249 of the USH2A protein (p.Pro1249Leu).

Literature cited by the submitters: PubMed 33691693 (cited by Labcorp Genetics (formerly Invitae), Labcorp); PubMed 25333064 (cited by Labcorp Genetics (formerly Invitae), Labcorp).

NM_206933.4(USH2A):c.3746C>T (p.Pro1249Leu)

Genes: USH2A (usherin; minus strand), USH2A-AS1 (USH2A antisense RNA 1; plus strand). Cytogenetic location: 1q41.
Variant type: single nucleotide variant.
Coding change: c.3746C>T on transcript NM_206933.4 (MANE Select); coding-DNA position 3746, C replaced by T.
Protein change: p.Pro1249Leu; replaces proline 1249 with leucine.
Molecular consequence: missense variant.
Genome position (GRCh38, 1-based): chr1:216,199,692, G>A on the plus strand (C>T on the coding strand, the complement: USH2A is on the minus strand). VCF-style: chr1-216199692-G-A. GRCh37 (hg19) VCF-style: chr1-216373034-G-A.
Other names: c.3746C>T (NM_206933.2); c.3746C>T, p.Pro1249Leu (NM_007123.6); short protein forms P1249L.
Identifiers: ClinVar variation 2202970 (VCV002202970.5), dbSNP rs2034937106, ClinGen allele CA344867777.